The following is an entry in ClinVar:

NM_001363.5(DKC1):c.1397T>A (p.Ile466Asn)

Gene: DKC1 (dyskerin pseudouridine synthase 1; plus strand). Cytogenetic location: Xq28.
Variant type: single nucleotide variant.
Coding change: c.1397T>A on transcript NM_001363.5 (MANE Select); coding-DNA position 1397, T replaced by A.
Protein change: p.Ile466Asn; replaces isoleucine 466 with asparagine.
Molecular consequence: missense variant. On other transcripts: 3 prime UTR variant (1), non-coding transcript variant (3).
Genome position (GRCh38, 1-based): chrX:154,776,245, T>A. VCF-style: chrX-154776245-T-A. GRCh37 (hg19) VCF-style: chrX-154004520-T-A.
Other names: c.1382T>A, p.Ile461Asn (NM_001142463.3); c.*623T>A (NM_001288747.2); short protein forms I461N, I466N.
Identifiers: ClinVar variation 4707188 (VCV004707188.1).

ClinVar aggregate classification (germline): Uncertain significance (1 of 4 stars; one submission).

Conditions:
Dyskeratosis congenita. Identifiers: Orphanet 1775, MedGen C0265965, MONDO:0015780.

gnomAD v4.1: 10 of 1,211,330 alleles (0.00083%); highest among the groups gnomAD compares: Non-Finnish European, 0.0011%; no homozygotes.

Submission:

Labcorp Genetics (formerly Invitae), Labcorp
Classification: Uncertain significance for Dyskeratosis congenita. Last evaluated: 2025-10-18. Review status: criteria provided, single submitter. Criteria: Invitae Variant Classification Sherloc (09022015). Collection method: clinical testing. Allele origin: germline.
Comment: This sequence change replaces isoleucine, which is neutral and non-polar, with asparagine, which is neutral and polar, at codon 466 of the DKC1 protein (p.Ile466Asn). This variant is not present in population databases (gnomAD no frequency). This variant has not been reported in the literature in individuals affected with DKC1-related conditions. Invitae Evidence Modeling of protein sequence and biophysical properties (such as structural, functional, and spatial information, amino acid conservation, physicochemical variation, residue mobility, and thermodynamic stability) indicates that this missense variant is not expected to disrupt DKC1 protein function with a negative predictive value of 80%. In summary, the available evidence is currently insufficient to determine the role of this variant in disease. Therefore, it has been classified as a Variant of Uncertain Significance.